The following is an entry in ClinVar:

ClinVar aggregate classification (germline): Uncertain significance. Review status: criteria provided, multiple submitters, no conflicts (2 of 4 stars). 2 submissions from 2 submitters: Uncertain significance (2). Last evaluated 2023-05-05.

Conditions:
Hypertrophic cardiomyopathy. Also called: HYPERTROPHIC MYOCARDIOPATHY. Identifiers: Orphanet 217569, MedGen C0007194, MeSH D002312, MONDO:0005045, HP:0001639.

Submissions (2):

Labcorp Genetics (formerly Invitae), Labcorp
Classification: Uncertain significance for Hypertrophic cardiomyopathy. Last evaluated: 2023-05-05. Review status: criteria provided, single submitter. Criteria: Invitae Variant Classification Sherloc (09022015). Collection method: clinical testing. Allele origin: germline.
Comment: In summary, the available evidence is currently insufficient to determine the role of this variant in disease. Therefore, it has been classified as a Variant of Uncertain Significance. An algorithm developed to predict the effect of missense changes on protein structure and function (PolyPhen-2) suggests that this variant is likely to be disruptive. This variant has not been reported in the literature in individuals affected with TNNI3-related conditions. Information on the frequency of this variant in the gnomAD database is not available, as this variant may be reported differently in the database. This sequence change replaces leucine, which is neutral and non-polar, with glycine, which is neutral and non-polar, at codon 53 of the TNNI3 protein (p.Leu53Gly).

Blueprint Genetics
Classification: Uncertain significance. Last evaluated: 2021-01-11. Review status: criteria provided, single submitter. Criteria: ACMG Guidelines, 2015. Collection method: clinical testing. Allele origin: germline.

NM_000363.5(TNNI3):c.157_158delinsGG (p.Leu53Gly)

Gene: TNNI3 (troponin I3, cardiac type; minus strand). Cytogenetic location: 19q13.42.
Variant type: Indel.
Coding change: c.157_158delinsGG on transcript NM_000363.5 (MANE Select); coding-DNA positions 157 to 158, CT replaced by GG.
Protein change: p.Leu53Gly; replaces leucine 53 with glycine.
Molecular consequence: missense variant.
Genome position (GRCh38, 1-based): chr19:55,156,325-55,156,326, AG replaced by CC on the plus strand (CT replaced by GG on the coding strand, the reverse complement: TNNI3 is on the minus strand). VCF-style: chr19-55156325-AG-CC. GRCh37 (hg19) VCF-style: chr19-55667693-AG-CC.
Other names: short protein forms L53G.
Identifiers: ClinVar variation 2972586 (VCV002972586.4), dbSNP rs2515501775, ClinGen allele CA2740096977.